The following is an entry in ClinVar:

ClinVar aggregate classification (germline): Pathogenic (1 of 4 stars; one submission).

Allele frequency attached by ClinVar (database versions not stated): gnomAD exomes below 0.00001.

Submission:

Athena Diagnostics
Classification: Pathogenic. Last evaluated: 2021-01-25. Review status: criteria provided, single submitter. Criteria: Athena Diagnostics criteria. Collection method: clinical testing. Allele origin: unknown.
Comment: This variant is expected to severely impact normal RNA splicing, and consequently, protein structure and/or function. This variant has not been reported in large, multi-ethnic general populations. This variant has been identified in at least one individual with clinical features associated with this gene.

NM_020247.5(COQ8A):c.1660-1G>A

Gene: COQ8A (coenzyme Q8A; plus strand). Cytogenetic location: 1q42.13.
Variant type: single nucleotide variant.
Coding change: c.1660-1G>A on transcript NM_020247.5 (MANE Select); the canonical splice acceptor site of the intron before coding-DNA position 1660, G replaced by A.
Molecular consequence: splice acceptor variant.
Genome position (GRCh38, 1-based): chr1:226,986,452, G>A. VCF-style: chr1-226986452-G-A. GRCh37 (hg19) VCF-style: chr1-227174153-G-A.
Identifiers: ClinVar variation 1256286 (VCV001256286.1), dbSNP rs1395498196, ClinGen allele CA345056665.